The following is an entry in ClinVar:

ClinVar aggregate classification (germline): Uncertain significance. Review status: criteria provided, multiple submitters, no conflicts (2 of 4 stars). 2 submissions from 2 submitters: Uncertain significance (2). Last evaluated 2026-07-06.

Conditions:
Hereditary cancer-predisposing syndrome. Also called: Neoplastic Syndromes, Hereditary; Hereditary Cancer Syndrome; Hereditary neoplastic syndrome; Tumor predisposition. Identifiers: Orphanet 140162, MedGen C0027672, MeSH D009386, MONDO:0015356.
Familial cancer of breast. Also called: hereditary breast carcinoma; BREAST CANCER, FAMILIAL; Hereditary breast cancer. Identifiers: Orphanet 227535, MedGen C0346153, MONDO:0016419, OMIM 114480. Disease mechanism: loss of function.

gnomAD v4.1: 1 of 1,611,310 alleles (0.000062%); highest among the groups gnomAD compares: Non-Finnish European, 0.000085%; no homozygotes.

Submissions (2):

Ambry Genetics
Classification: Uncertain significance for Hereditary cancer-predisposing syndrome. Last evaluated: 2026-07-06. Review status: criteria provided, single submitter. Criteria: Ambry Variant Classification Scheme 2023. Collection method: clinical testing. Allele origin: germline.
Comment: The p.D80E variant (also known as c.240C>A), located in coding exon 4 of the PALB2 gene, results from a C to A substitution at nucleotide position 240. The aspartic acid at codon 80 is replaced by glutamic acid, an amino acid with highly similar properties. This amino acid position is conserved. In addition, this alteration is predicted to be tolerated by in silico analysis. Based on the available evidence, the clinical significance of this variant remains unclear.

Labcorp Genetics (formerly Invitae), Labcorp
Classification: Uncertain significance for Familial cancer of breast. Last evaluated: 2024-05-02. Review status: criteria provided, single submitter. Criteria: Invitae Variant Classification Sherloc (09022015). Collection method: clinical testing. Allele origin: germline.
Comment: This sequence change replaces aspartic acid, which is acidic and polar, with glutamic acid, which is acidic and polar, at codon 80 of the PALB2 protein (p.Asp80Glu). This variant is not present in population databases (gnomAD no frequency). This variant has not been reported in the literature in individuals affected with PALB2-related conditions. ClinVar contains an entry for this variant (Variation ID: 642776). Algorithms developed to predict the effect of missense changes on protein structure and function output the following: SIFT: "Not Available"; PolyPhen-2: "Benign"; Align-GVGD: "Not Available". The glutamic acid amino acid residue is found in multiple mammalian species, which suggests that this missense change does not adversely affect protein function. In summary, the available evidence is currently insufficient to determine the role of this variant in disease. Therefore, it has been classified as a Variant of Uncertain Significance.

NM_024675.4(PALB2):c.240C>A (p.Asp80Glu)

Gene: PALB2 (partner and localizer of BRCA2; minus strand). Cytogenetic location: 16p12.2.
Variant type: single nucleotide variant.
Coding change: c.240C>A on transcript NM_024675.4 (MANE Select); coding-DNA position 240, C replaced by A.
Protein change: p.Asp80Glu; replaces aspartic acid 80 with glutamic acid.
Molecular consequence: missense variant.
Genome position (GRCh38, 1-based): chr16:23,636,306, G>T on the plus strand (C>A on the coding strand, the complement: PALB2 is on the minus strand). VCF-style: chr16-23636306-G-T. GRCh37 (hg19) VCF-style: chr16-23647627-G-T.
Other names: short protein forms D80E.
Identifiers: ClinVar variation 642776 (VCV000642776.10), dbSNP rs1597099799, ClinGen allele CA395138929.
Genomic context (GRCh38, chr16:23,636,306, plus strand): 5'-AAGTGTGATAGATGTCTTTTCTCCAGTTTCTTCATCAAGATGGGTTTTGATGTGTAACTT[G>T]TCATAAACACATATTTTATTTTTAGGTTCTGAGGAGGAAAAAAATGTATATAACTTATAT-3'
Protein context (NP_078951.2, residues 70-90): SEPKNKICVY[Asp80Glu]KLHIKTHLDE